The following is an entry in ClinVar:

ClinVar aggregate classification (germline): Uncertain significance (1 of 4 stars; one submission).

gnomAD v4.1: 2 of 1,582,588 alleles (0.00013%); highest among the groups gnomAD compares: East Asian, 0.0023%; no homozygotes.

Submission:

Ambry Genetics
Classification: Uncertain significance. Last evaluated: 2025-03-08. Review status: criteria provided, single submitter. Criteria: Ambry Variant Classification Scheme 2023. Collection method: clinical testing. Allele origin: germline.
Comment: The p.Q234R variant (also known as c.701A>G), located in coding exon 6 of the RNF43 gene, results from an A to G substitution at nucleotide position 701. The glutamine at codon 234 is replaced by arginine, an amino acid with highly similar properties. This amino acid position is conserved. In addition, this alteration is predicted to be tolerated by in silico analysis. Based on the available evidence, the clinical significance of this variant remains unclear.

NM_017763.6(RNF43):c.701A>G (p.Gln234Arg)

Gene: RNF43 (ring finger protein 43; minus strand). Cytogenetic location: 17q22.
Variant type: single nucleotide variant.
Coding change: c.701A>G on transcript NM_017763.6 (MANE Select); coding-DNA position 701, A replaced by G.
Protein change: p.Gln234Arg; replaces glutamine 234 with arginine.
Molecular consequence: missense variant.
Genome position (GRCh38, 1-based): chr17:58,360,931, T>C on the plus strand (A>G on the coding strand, the complement: RNF43 is on the minus strand). VCF-style: chr17-58360931-T-C. GRCh37 (hg19) VCF-style: chr17-56438292-T-C.
Other names: c.701A>G, p.Gln234Arg (NM_001305544.3); c.320A>G, p.Gln107Arg (NM_001305545.2); short protein forms Q107R, Q234R.
Identifiers: ClinVar variation 3789971 (VCV003789971.1).
Genomic context (GRCh38, chr17:58,360,931, plus strand): 5'-TGCCTGCAGCTGGCCTGGTACCTCCTGGTGGCCAGCTGGCTGATGGCCCAGGCTGTTCTC[T>C]GCTGAAGCGGATCCTGGGAAGAGGAATGGGGCTCAGATTGGGGCATGGGCTCCCCTTCCC-3'
Protein context (NP_060233.3, residues 224-244): PRHSRPDPLQ[Gln234Arg]RTAWAISQLA